The following is an entry in ClinVar:

NM_021224.6(ZNF462):c.4885C>T (p.Pro1629Ser)

Gene: ZNF462 (zinc finger protein 462; plus strand). Cytogenetic location: 9q31.2.
Variant type: single nucleotide variant.
Coding change: c.4885C>T on transcript NM_021224.6 (MANE Select); coding-DNA position 4885, C replaced by T.
Protein change: p.Pro1629Ser; replaces proline 1629 with serine.
Molecular consequence: missense variant. On other transcripts: intron variant (1).
Genome position (GRCh38, 1-based): chr9:106,928,797, C>T. VCF-style: chr9-106928797-C-T. GRCh37 (hg19) VCF-style: chr9-109691078-C-T.
Other names: c.3252+1633C>T (NM_001347997.2); short protein forms P1629S.
Identifiers: ClinVar variation 1699208 (VCV001699208.5), dbSNP rs2131506841, ClinGen allele CA374412699.

ClinVar aggregate classification (germline): Uncertain significance (1 of 4 stars; one submission).

Conditions:
Weiss-Kruszka syndrome. Also called: Metopic ridging-ptosis-facial dysmorphism syndrome. Identifiers: Orphanet 502430, MedGen C5568107, MONDO:0032836, OMIM 618619.

Submission:

Victorian Clinical Genetics Services, Murdoch Childrens Research Institute
Classification: Uncertain significance for Weiss-Kruszka syndrome. Last evaluated: 2025-08-15. Review status: criteria provided, single submitter. Criteria: ACMG Guidelines, 2015. Collection method: clinical testing. Allele origin: germline. Affected: yes.
Comment: This variant is classified as VUS-3B. Evidence in support of pathogenic classification: Variant is absent from gnomAD (v2, v3 and v4); Evidence in support of benign classification: Missense variant predicted to be tolerated by in silico tool(s) or not conserved in placental mammals with a minor amino acid change. Additional information: Variant is predicted to result in a missense amino acid change from proline to serine; This variant is heterozygous; This gene is associated with autosomal dominant disease; Alternative amino acid change(s) at the same position are present in gnomAD (highest allele count: v4: 4 heterozygote(s), 0 homozygote(s)); This variant has no previous evidence of pathogenicity; No published evidence of segregation with disease has been identified for this variant; No published functional evidence has been identified for this variant; No comparable missense variants have previous evidence for pathogenicity; Variant is not located in an established domain, motif, hotspot or informative constraint region; Loss of function is a known mechanism of disease in this gene and is associated with Weiss-Kruszka syndrome (MIM#618619); Variants in this gene are known to have variable expressivity (OMIM).